The following is an entry in ClinVar:

ClinVar aggregate classification (germline): Uncertain significance (1 of 4 stars; one submission).

Conditions:
Familial hemiplegic migraine. Identifiers: MedGen C0338484, MONDO:0000700.

Submission:

Labcorp Genetics (formerly Invitae), Labcorp
Classification: Uncertain significance for Familial hemiplegic migraine. Last evaluated: 2023-07-30. Review status: criteria provided, single submitter. Criteria: Invitae Variant Classification Sherloc (09022015). Collection method: clinical testing. Allele origin: germline.
Comment: Algorithms developed to predict the effect of sequence changes on RNA splicing suggest that this variant may create or strengthen a splice site. In summary, the available evidence is currently insufficient to determine the role of this variant in disease. Therefore, it has been classified as a Variant of Uncertain Significance. This sequence change affects codon 132 of the ATP1A2 mRNA. It is a 'silent' change, meaning that it does not change the encoded amino acid sequence of the ATP1A2 protein. This variant is not present in population databases (gnomAD no frequency). This variant has not been reported in the literature in individuals affected with ATP1A2-related conditions.

NM_000702.4(ATP1A2):c.396G>A (p.Val132=)

Gene: ATP1A2 (ATPase Na+/K+ transporting subunit alpha 2; plus strand). Cytogenetic location: 1q23.2.
Variant type: single nucleotide variant.
Coding change: c.396G>A on transcript NM_000702.4 (MANE Select); coding-DNA position 396, G replaced by A.
Protein change: p.Val132=; no amino-acid change (valine 132 retained).
Molecular consequence: synonymous variant.
Genome position (GRCh38, 1-based): chr1:160,123,957, G>A. VCF-style: chr1-160123957-G-A. GRCh37 (hg19) VCF-style: chr1-160093747-G-A.
Identifiers: ClinVar variation 2818974 (VCV002818974.3), dbSNP rs762950705, ClinGen allele CA421599140.